The following is an entry in ClinVar:

NM_152383.5(DIS3L2):c.1999C>T (p.Arg667Trp)

Gene: DIS3L2 (DIS3 like 3'-5' exoribonuclease 2; plus strand). Cytogenetic location: 2q37.1.
Variant type: single nucleotide variant.
Coding change: c.1999C>T on transcript NM_152383.5 (MANE Select); coding-DNA position 1999, C replaced by T.
Protein change: p.Arg667Trp; replaces arginine 667 with tryptophan.
Molecular consequence: missense variant. On other transcripts: non-coding transcript variant (2), intron variant (1).
Genome position (GRCh38, 1-based): chr2:232,330,765, C>T. VCF-style: chr2-232330765-C-T. GRCh37 (hg19) VCF-style: chr2-233195475-C-T.
Other names: c.1582-12580C>T (NM_001257281.2); short protein forms R667W.
Identifiers: ClinVar variation 2194084 (VCV002194084.4), dbSNP rs1240243170, ClinGen allele CA350976750.

ClinVar aggregate classification (germline): Uncertain significance (1 of 4 stars; one submission).

Conditions:
Perlman syndrome (PRLMNS). Identifiers: Orphanet 2849, MedGen C0796113, MONDO:0009965, OMIM 267000.

Allele frequency attached by ClinVar (database versions not stated): gnomAD exomes below 0.00001; gnomAD 0.00001; TOPMed 0.00001.
gnomAD v4.1: 4 of 1,611,500 alleles (0.00025%); highest among the groups gnomAD compares: African/African-American, 0.0013%; no homozygotes.

Submission:

Labcorp Genetics (formerly Invitae), Labcorp
Classification: Uncertain significance for Perlman syndrome. Last evaluated: 2024-04-29. Review status: criteria provided, single submitter. Criteria: Invitae Variant Classification Sherloc (09022015). Collection method: clinical testing. Allele origin: germline.
Comment: This sequence change replaces arginine, which is basic and polar, with tryptophan, which is neutral and slightly polar, at codon 667 of the DIS3L2 protein (p.Arg667Trp). This variant is not present in population databases (gnomAD no frequency). This variant has not been reported in the literature in individuals affected with DIS3L2-related conditions. ClinVar contains an entry for this variant (Variation ID: 2194084). Advanced modeling of protein sequence and biophysical properties (such as structural, functional, and spatial information, amino acid conservation, physicochemical variation, residue mobility, and thermodynamic stability) performed at Invitae indicates that this missense variant is expected to disrupt DIS3L2 protein function with a positive predictive value of 80%. In summary, the available evidence is currently insufficient to determine the role of this variant in disease. Therefore, it has been classified as a Variant of Uncertain Significance.